The following is an entry in ClinVar:

ClinVar aggregate classification (germline): Likely benign (1 of 4 stars; one submission).

gnomAD v4.1: 257 of 1,482,872 alleles (0.017%); highest among the groups gnomAD compares: Admixed American, 0.041%; 35 homozygotes.

Submission:

CeGaT Center for Human Genetics Tuebingen
Classification: Likely benign. Last evaluated: 2026-09-01. Review status: criteria provided, single submitter. Criteria: CeGaT Center For Human Genetics Tuebingen Variant Classification Criteria Version 2. Collection method: clinical testing. Allele origin: germline. Affected: yes. Observed: 9 variant alleles.
Comment: MUC21: BP4, BP7, BS2

NM_001010909.5(MUC21):c.1230C>T (p.Ser410=)

Genes: MUC21 (mucin 21, cell surface associated; plus strand), LOC126859647 (CDK7 strongly-dependent group 2 enhancer GRCh37_chr6:30954612-30955811; plus strand). Cytogenetic location: 6p21.33.
Variant type: single nucleotide variant.
Coding change: c.1230C>T on transcript NM_001010909.5 (MANE Select); coding-DNA position 1230, C replaced by T.
Protein change: p.Ser410=; no amino-acid change (serine 410 retained).
Molecular consequence: synonymous variant. On other transcripts: non-coding transcript variant (1).
Genome position (GRCh38, 1-based): chr6:30,987,405, C>T. VCF-style: chr6-30987405-C-T. GRCh37 (hg19) VCF-style: chr6-30955182-C-T.
Identifiers: ClinVar variation 4820822 (VCV004820822.4).